The following is an entry in ClinVar:

NM_014704.4(CEP104):c.2538C>T (p.Pro846=)

Gene: CEP104 (centrosomal protein 104; minus strand). Cytogenetic location: 1p36.32.
Variant type: single nucleotide variant.
Coding change: c.2538C>T on transcript NM_014704.4 (MANE Select); coding-DNA position 2538, C replaced by T.
Protein change: p.Pro846=; no amino-acid change (proline 846 retained).
Molecular consequence: synonymous variant.
Genome position (GRCh38, 1-based): chr1:3,823,207, G>A on the plus strand (C>T on the coding strand, the complement: CEP104 is on the minus strand). VCF-style: chr1-3823207-G-A. GRCh37 (hg19) VCF-style: chr1-3739771-G-A.
Identifiers: ClinVar variation 3030927 (VCV003030927.2), dbSNP rs1209375429, ClinGen allele CA415976739.

ClinVar aggregate classification (germline): Likely benign (0 of 4 stars; one submission).

Conditions:
CEP104-related disorder. Also called: CEP104-related condition.

Allele frequency attached by ClinVar (database versions not stated): gnomAD exomes below 0.00001; TOPMed below 0.00001; gnomAD 0.00001.
gnomAD v4.1: 4 of 1,614,088 alleles (0.00025%); highest among the groups gnomAD compares: East Asian, 0.0067%; no homozygotes.

Submission:

PreventionGenetics, part of Exact Sciences
Classification: Likely benign for CEP104-related condition. Last evaluated: 2020-12-17. Review status: no assertion criteria provided. Collection method: clinical testing. Allele origin: germline.
Comment: This variant is classified as likely benign based on ACMG/AMP sequence variant interpretation guidelines (Richards et al. 2015 PMID: 25741868, with internal and published modifications).